The following is an entry in ClinVar:

ClinVar aggregate classification (germline): Likely benign. Review status: criteria provided, multiple submitters, no conflicts (2 of 4 stars). 2 submissions from 2 submitters: Likely benign (2). Last evaluated 2025-05-05.

Conditions:
HK1-related disorder. Also called: HK1-related condition; HK1-related disorders.

Allele frequency attached by ClinVar (database versions not stated): gnomAD exomes 0.00001 and 0.00005; ExAC 0.00008; TOPMed 0.00008; gnomAD 0.00011 and 0.00013; ESP Exome Variant Server 0.00015; 1000 Genomes Project 0.00040; 1000 Genomes Project 30x 0.00062.

Submissions (2):

PreventionGenetics, part of Exact Sciences
Classification: Likely benign for HK1-related condition. Last evaluated: 2025-05-05. Review status: criteria provided, single submitter. Criteria: ACMG Guidelines, 2015. Collection method: clinical testing. Allele origin: germline.
Comment: This variant is classified as likely benign based on ACMG/AMP sequence variant interpretation guidelines (Richards et al. 2015 PMID: 25741868, with internal and published modifications).

Labcorp Genetics (formerly Invitae), Labcorp
Classification: Likely benign. Last evaluated: 2025-02-09. Review status: criteria provided, single submitter. Criteria: Invitae Variant Classification Sherloc (09022015). Collection method: clinical testing. Allele origin: germline.

NM_000188.3(HK1):c.1920G>A (p.Ala640=)

Gene: HK1 (hexokinase 1; plus strand). Cytogenetic location: 10q22.1.
Variant type: single nucleotide variant.
Coding change: c.1920G>A on transcript NM_000188.3 (MANE Select); coding-DNA position 1920, G replaced by A.
Protein change: p.Ala640=; no amino-acid change (alanine 640 retained).
Molecular consequence: synonymous variant.
Genome position (GRCh38, 1-based): chr10:69,386,403, G>A. VCF-style: chr10-69386403-G-A. GRCh37 (hg19) VCF-style: chr10-71146159-G-A.
Other names: c.1932G>A, p.Ala644= (NM_001322364.2, NM_001358263.1, NM_033497.3 and 1 more transcripts); c.2025G>A, p.Ala675= (NM_001322365.2); c.1836G>A, p.Ala612= (NM_001322366.1); c.1824G>A, p.Ala608= (NM_001322367.1); c.1917G>A, p.Ala639= (NM_033496.3); c.1884G>A, p.Ala628= (NM_033500.2); c.1920G>A (NM_000188.2).
Identifiers: ClinVar variation 1114974 (VCV001114974.10), dbSNP rs144039188, ClinGen allele CA5532721.